The following is an entry in ClinVar:

ClinVar aggregate classification (germline): Uncertain significance (1 of 4 stars; one submission).

Conditions:
Norman-Roberts syndrome (LIS2). Also called: Lissencephaly 2 (Norman-Roberts type). Identifiers: Orphanet 89844, MedGen C0796089, MONDO:0009760, OMIM 257320.
Familial temporal lobe epilepsy 7. Identifiers: Orphanet 101046, MedGen C4225327, MONDO:0014639, OMIM 616436.

Submission:

Labcorp Genetics (formerly Invitae), Labcorp
Classification: Uncertain significance for Familial temporal lobe epilepsy 7; Norman-Roberts syndrome. Last evaluated: 2025-02-06. Review status: criteria provided, single submitter. Criteria: Invitae Variant Classification Sherloc (09022015). Collection method: clinical testing. Allele origin: germline.
Comment: This sequence change replaces alanine, which is neutral and non-polar, with valine, which is neutral and non-polar, at codon 1660 of the RELN protein (p.Ala1660Val). This variant is not present in population databases (gnomAD no frequency). This variant has not been reported in the literature in individuals affected with RELN-related conditions. Invitae Evidence Modeling of protein sequence and biophysical properties (such as structural, functional, and spatial information, amino acid conservation, physicochemical variation, residue mobility, and thermodynamic stability) indicates that this missense variant is not expected to disrupt RELN protein function with a negative predictive value of 80%. In summary, the available evidence is currently insufficient to determine the role of this variant in disease. Therefore, it has been classified as a Variant of Uncertain Significance.

NM_005045.4(RELN):c.4979C>T (p.Ala1660Val)

Gene: RELN (reelin; minus strand). Cytogenetic location: 7q22.1.
Variant type: single nucleotide variant.
Coding change: c.4979C>T on transcript NM_005045.4 (MANE Select); coding-DNA position 4979, C replaced by T.
Protein change: p.Ala1660Val; replaces alanine 1660 with valine.
Molecular consequence: missense variant.
Genome position (GRCh38, 1-based): chr7:103,565,509, G>A on the plus strand (C>T on the coding strand, the complement: RELN is on the minus strand). VCF-style: chr7-103565509-G-A. GRCh37 (hg19) VCF-style: chr7-103205956-G-A.
Other names: c.4979C>T, p.Ala1660Val (NM_173054.3); short protein forms A1660V.
Identifiers: ClinVar variation 3758359 (VCV003758359.2).
Genomic context (GRCh38, chr7:103,565,509, plus strand): 5'-TGGGAGTTGCTGAAGGGCTTGCTACAGCCCATGCTCATTTCAAACTGCAAAAAGGTAGAT[G>A]CTGACACATGAAAATCCCAGGTCTCAGCATAACGAGGTTTTCCTGAAAAAAAAAAATGTG-3'
Protein context (NP_005036.2, residues 1650-1670): YAETWDFHVS[Ala1660Val]STFLQFEMSM